The following is an entry in ClinVar:

ClinVar aggregate classification (germline): Likely benign. Review status: criteria provided, multiple submitters, no conflicts (2 of 4 stars). 3 submissions from 3 submitters: Likely benign (3). Last evaluated 2025-07-13.

Conditions:
Inborn genetic diseases. Identifiers: MedGen C0950123, MeSH D030342.
Autosomal dominant childhood-onset proximal spinal muscular atrophy with contractures (SMALED2A). Also called: SPINAL MUSCULAR ATROPHY, LOWER EXTREMITY-PREDOMINANT, 2A, CHILDHOOD ONSET, AUTOSOMAL DOMINANT; Spinal muscular atrophy, lower extremity-predominant, 2A, autosomal dominant. Identifiers: Orphanet 363447, Orphanet 363454, MedGen C4747715, MONDO:0014121, OMIM 615290.

Allele frequency attached by ClinVar (database versions not stated): gnomAD 0.00001; gnomAD exomes 0.00001; TOPMed 0.00003.
gnomAD v4.1: 9 of 1,614,104 alleles (0.00056%); highest among the groups gnomAD compares: Non-Finnish European, 0.00076%; no homozygotes.

Submissions (3):

Labcorp Genetics (formerly Invitae), Labcorp
Classification: Likely benign for Autosomal dominant childhood-onset proximal spinal muscular atrophy with contractures. Last evaluated: 2025-07-13. Review status: criteria provided, single submitter. Criteria: Invitae Variant Classification Sherloc (09022015). Collection method: clinical testing. Allele origin: germline.

Ambry Genetics
Classification: Likely benign for Inborn genetic diseases. Last evaluated: 2019-07-11. Review status: criteria provided, single submitter. Criteria: Ambry Variant Classification Scheme 2023. Collection method: clinical testing. Allele origin: germline.

GeneDx
Classification: Likely benign. Last evaluated: 2016-08-31. Review status: criteria provided, single submitter. Criteria: GeneDx Variant Classification (06012015). Collection method: clinical testing. Allele origin: germline. Affected: yes.
Comment: This variant is considered likely benign or benign based on one or more of the following criteria: it is a conservative change, it occurs at a poorly conserved position in the protein, it is predicted to be benign by multiple in silico algorithms, and/or has population frequency not consistent with disease.

NM_001003800.2(BICD2):c.531G>C (p.Leu177=)

Gene: BICD2 (BICD cargo adaptor 2; minus strand). Cytogenetic location: 9q22.31.
Variant type: single nucleotide variant.
Coding change: c.531G>C on transcript NM_001003800.2 (MANE Select); coding-DNA position 531, G replaced by C.
Protein change: p.Leu177=; no amino-acid change (leucine 177 retained).
Molecular consequence: synonymous variant.
Genome position (GRCh38, 1-based): chr9:92,722,731, C>G on the plus strand (G>C on the coding strand, the complement: BICD2 is on the minus strand). VCF-style: chr9-92722731-C-G. GRCh37 (hg19) VCF-style: chr9-95485013-C-G.
Other names: c.531G>C, p.Leu177= (NM_015250.4).
Identifiers: ClinVar variation 388825 (VCV000388825.13), dbSNP rs1057523240, ClinGen allele CA16605733.